The following is an entry in ClinVar:

ClinVar aggregate classification (germline): Uncertain significance (1 of 4 stars; one submission).

Conditions:
KIDINS220-related disorder. Also called: KIDINS220-related condition.

gnomAD v4.1: 1 of 1,613,954 alleles (0.000062%); highest among the groups gnomAD compares: Non-Finnish European, 0.000085%; no homozygotes.

Submission:

PreventionGenetics, part of Exact Sciences
Classification: Uncertain significance for KIDINS220-related condition. Last evaluated: 2026-09-09. Review status: criteria provided, single submitter. Criteria: ACMG Guidelines, 2015. Collection method: clinical testing. Allele origin: germline.
Comment: The KIDINS220 c.3265C>A variant is predicted to result in the amino acid substitution p.Pro1089Thr. To our knowledge, this variant has not been reported in the literature. This variant is reported in 0.00089% of alleles in individuals of European (Non-Finnish) descent in gnomAD. At this time, the clinical significance of this variant is uncertain due to the absence of conclusive functional and genetic evidence.

NM_020738.4(KIDINS220):c.3265C>A (p.Pro1089Thr)

Gene: KIDINS220 (kinase D interacting substrate 220; minus strand). Cytogenetic location: 2p25.1.
Variant type: single nucleotide variant.
Coding change: c.3265C>A on transcript NM_020738.4 (MANE Select); coding-DNA position 3265, C replaced by A.
Protein change: p.Pro1089Thr; replaces proline 1089 with threonine.
Molecular consequence: missense variant. On other transcripts: non-coding transcript variant (2).
Genome position (GRCh38, 1-based): chr2:8,750,261, G>T on the plus strand (C>A on the coding strand, the complement: KIDINS220 is on the minus strand). VCF-style: chr2-8750261-G-T. GRCh37 (hg19) VCF-style: chr2-8890391-G-T.
Other names: c.3268C>A, p.Pro1090Thr (NM_001348729.2, NM_001348731.2, NM_001348734.2 and 2 more transcripts); c.3265C>A, p.Pro1089Thr (NM_001348732.2, NM_001348735.2, NM_001348738.2 and 3 more transcripts); c.3139C>A, p.Pro1047Thr (NM_001348736.2); short protein forms P1047T, P1089T, P1090T.
Identifiers: ClinVar variation 4982915 (VCV004982915.1).